The following is an entry in ClinVar:

NM_006765.4(TUSC3):c.199C>T (p.Arg67Ter)

Gene: TUSC3 (tumor suppressor candidate 3; plus strand). Cytogenetic location: 8p22.
Variant type: single nucleotide variant.
Coding change: c.199C>T on transcript NM_006765.4 (MANE Select); coding-DNA position 199, C replaced by T.
Protein change: p.Arg67Ter; replaces arginine 67 with a stop codon.
Molecular consequence: nonsense. On other transcripts: non-coding transcript variant (5), intron variant (1), 5 prime UTR variant (1).
Genome position (GRCh38, 1-based): chr8:15,623,140, C>T. VCF-style: chr8-15623140-C-T. GRCh37 (hg19) VCF-style: chr8-15480649-C-T.
Other names: c.199C>T, p.Arg67Ter (NM_001413691.1, NM_178234.2, NM_001356429.2 and 17 more transcripts); c.-79-27557C>T (NM_001413678.1); c.31C>T, p.Arg11Ter (NM_001413669.1, NM_001413671.1, NM_001413672.1); c.139C>T, p.Arg47Ter (NM_001413670.1); c.-116C>T (NM_001413677.1); short protein forms R11*, R47*, R67*.
Identifiers: ClinVar variation 3603041 (VCV003603041.2).
Genomic context (GRCh38, chr8:15,623,140, plus strand): 5'-AATCTTTTAGCTGAAAAAGTAGAGCAGCTGATGGAATGGAGTTCCAGACGCTCAATCTTC[C>T]GAATGAATGGTGATAAATTCCGAAAATTTATAAAGGCACCACCTCGAAACTATTCCATGA-3'

ClinVar aggregate classification (germline): Pathogenic (1 of 4 stars; one submission).

gnomAD v4.1: 7 of 1,613,530 alleles (0.00043%); highest among the groups gnomAD compares: South Asian, 0.0022%; no homozygotes.

Submission:

GeneDx
Classification: Pathogenic. Last evaluated: 2025-10-22. Review status: criteria provided, single submitter. Criteria: GeneDx Variant Classification Process June 2021. Collection method: clinical testing. Allele origin: germline.
Comment: Nonsense variant predicted to result in protein truncation or nonsense mediated decay in a gene for which loss of function is a known mechanism of disease; Not observed at significant frequency in large population cohorts (gnomAD); This variant is associated with the following publications: (PMID: 36368352)